The following is an entry in ClinVar:

NM_016006.6(ABHD5):c.701G>A (p.Arg234Gln)

Gene: ABHD5 (abhydrolase domain containing 5, lysophosphatidic acid acyltransferase; plus strand). Cytogenetic location: 3p21.33.
Variant type: single nucleotide variant.
Coding change: c.701G>A on transcript NM_016006.6 (MANE Select); coding-DNA position 701, G replaced by A.
Protein change: p.Arg234Gln; replaces arginine 234 with glutamine.
Molecular consequence: missense variant.
Genome position (GRCh38, 1-based): chr3:43,714,986, G>A. VCF-style: chr3-43714986-G-A. GRCh37 (hg19) VCF-style: chr3-43756478-G-A.
Other names: c.701G>A (NM_016006.4); c.701G>A, p.Arg234Gln (NM_001355186.2, NM_001365650.1); c.578G>A, p.Arg193Gln (NM_001365649.1); short protein forms R193Q, R234Q.
Identifiers: ClinVar variation 1354774 (VCV001354774.4), dbSNP rs369577285, ClinGen allele CA2341417.

ClinVar aggregate classification (germline): Uncertain significance. Review status: criteria provided, multiple submitters, no conflicts (2 of 4 stars). 2 submissions from 2 submitters: Uncertain significance (2). Last evaluated 2025-11-19.

Conditions:
ABHD5-related disorder. Also called: ABHD5-related condition.

Allele frequency attached by ClinVar (database versions not stated): gnomAD exomes 0.00005 and 0.00019; gnomAD 0.00006 and 0.00007; ESP Exome Variant Server 0.00008; TOPMed 0.00014; ExAC 0.00015.
gnomAD v4.1: 98 of 1,612,974 alleles (0.0061%); highest among the groups gnomAD compares: Admixed American, 0.077%; no homozygotes.

Submissions (2):

PreventionGenetics, part of Exact Sciences
Classification: Uncertain significance for ABHD5-related condition. Last evaluated: 2025-11-19. Review status: criteria provided, single submitter. Criteria: ACMG Guidelines, 2015. Collection method: clinical testing. Allele origin: germline.
Comment: The ABHD5 c.701G>A variant is predicted to result in the amino acid substitution p.Arg234Gln. To our knowledge, this variant has not been reported in the literature. This variant is reported in 0.11% of alleles in individuals of Ashkenazi Jewish descent in gnomAD. Although we suspect that this variant may be benign, at this time, the clinical significance of this variant is uncertain due to the absence of conclusive functional and genetic evidence.

Labcorp Genetics (formerly Invitae), Labcorp
Classification: Uncertain significance. Last evaluated: 2022-08-18. Review status: criteria provided, single submitter. Criteria: Invitae Variant Classification Sherloc (09022015). Collection method: clinical testing. Allele origin: germline.
Comment: This sequence change replaces arginine, which is basic and polar, with glutamine, which is neutral and polar, at codon 234 of the ABHD5 protein (p.Arg234Gln). This variant is present in population databases (rs369577285, gnomAD 0.1%). This variant has not been reported in the literature in individuals affected with ABHD5-related conditions. ClinVar contains an entry for this variant (Variation ID: 1354774). Algorithms developed to predict the effect of missense changes on protein structure and function (SIFT, PolyPhen-2, Align-GVGD) all suggest that this variant is likely to be tolerated. In summary, the available evidence is currently insufficient to determine the role of this variant in disease. Therefore, it has been classified as a Variant of Uncertain Significance.